The following is an entry in ClinVar:

NM_005334.3(HCFC1):c.3211G>A (p.Val1071Met)

Gene: HCFC1 (host cell factor C1; minus strand). Cytogenetic location: Xq28.
Variant type: single nucleotide variant.
Coding change: c.3211G>A on transcript NM_005334.3 (MANE Select); coding-DNA position 3211, G replaced by A.
Protein change: p.Val1071Met; replaces valine 1071 with methionine.
Molecular consequence: missense variant.
Genome position (GRCh38, 1-based): chrX:153,955,188, C>T on the plus strand (G>A on the coding strand, the complement: HCFC1 is on the minus strand). VCF-style: chrX-153955188-C-T. GRCh37 (hg19) VCF-style: chrX-153220639-C-T.
Other names: short protein forms V1071M.
Identifiers: ClinVar variation 807852 (VCV000807852.49), dbSNP rs190844812, ClinGen allele CA10557231.
Genomic context (GRCh38, chrX:153,955,188, plus strand): 5'-CGGTGTTGGTGGTGCCCGTCTCGTGGGTCTCGCAGGGCGGGTTCGAACAGACTCGGACCA[C>T]GCTACCATTCTGCTGGCCCACAGTCGAGGTCACAAGAGAAGCAGCTGCCTCCTGTCTGTC-3'
Protein context (NP_005325.2, residues 1061-1081): TSTVGQQNGS[Val1071Met]VRVCSNPPCE

ClinVar aggregate classification (germline): Benign/Likely benign. Review status: criteria provided, multiple submitters, no conflicts (2 of 4 stars). 2 submissions from 2 submitters: Benign (1); Likely benign (1). Last evaluated 2026-01-21.

Conditions:
Methylmalonic acidemia with homocystinuria, type cblX (MAHCX). Also called: INTELLECTUAL DEVELOPMENTAL DISORDER, X-LINKED 3. Identifiers: Orphanet 369962, MedGen C0796208, MONDO:0010657, OMIM 309541.

Allele frequency attached by ClinVar (database versions not stated): gnomAD exomes 0.00024 and 0.00049; TOPMed 0.00034; gnomAD 0.00035; ESP Exome Variant Server 0.00038; ExAC 0.00039; 1000 Genomes Project 30x 0.00042; 1000 Genomes Project 0.00053.
gnomAD v4.1: 311 of 1,209,938 alleles (0.026%); highest among the groups gnomAD compares: Middle Eastern, 0.069%; no homozygotes.

Submissions (2):

Labcorp Genetics (formerly Invitae), Labcorp
Classification: Benign for Methylmalonic acidemia with homocystinuria, type cblX. Last evaluated: 2026-01-21. Review status: criteria provided, single submitter. Criteria: Invitae Variant Classification Sherloc (09022015). Collection method: clinical testing. Allele origin: germline.

CeGaT Center for Human Genetics Tuebingen
Classification: Likely benign. Last evaluated: 2023-01-01. Review status: criteria provided, single submitter. Criteria: CeGaT Center For Human Genetics Tuebingen Variant Classification Criteria Version 2. Collection method: clinical testing. Allele origin: germline. Affected: yes. Observed: 2 variant alleles.
Comment: HCFC1: PP2, BS2